The following is an entry in ClinVar:

ClinVar aggregate classification (germline): Benign/Likely benign. Review status: criteria provided, multiple submitters, no conflicts (2 of 4 stars). 6 submissions from 6 submitters: Benign (1); Likely benign (5). Last evaluated 2025-11-21.

Conditions:
MEN1-related disorder. Also called: MEN1-related condition.
Hereditary cancer-predisposing syndrome. Also called: Neoplastic Syndromes, Hereditary; Tumor predisposition; Hereditary neoplastic syndrome; Hereditary Cancer Syndrome. Identifiers: Orphanet 140162, MedGen C0027672, MeSH D009386, MONDO:0015356.
Multiple endocrine neoplasia, type 1 (MEN1). Also called: MEN I; WERMER SYNDROME; Endocrine adenomatosis multiple; MEN 1; MEA I. Identifiers: Orphanet 652, MedGen C0025267, MeSH D018761, MONDO:0007540, OMIM 131100.

Allele frequency attached by ClinVar (database versions not stated): gnomAD exomes below 0.00001; ExAC 0.00001; gnomAD 0.00001; TOPMed 0.00001.
gnomAD v4.1: 4 of 1,614,076 alleles (0.00025%); highest among the groups gnomAD compares: East Asian, 0.0022%; no homozygotes.

Submissions (6):

PreventionGenetics, part of Exact Sciences
Classification: Likely benign for MEN1-related condition. Last evaluated: 2025-11-21. Review status: criteria provided, single submitter. Criteria: ACMG Guidelines, 2015. Collection method: clinical testing. Allele origin: germline.
Comment: This variant is classified as likely benign based on ACMG/AMP sequence variant interpretation guidelines (Richards et al. 2015 PMID: 25741868, with internal and published modifications).

Labcorp Genetics (formerly Invitae), Labcorp
Classification: Likely benign for Multiple endocrine neoplasia, type 1. Last evaluated: 2025-11-05. Review status: criteria provided, single submitter. Criteria: Invitae Variant Classification Sherloc (09022015). Collection method: clinical testing. Allele origin: germline.

Myriad Genetics, Inc.
Classification: Benign for Multiple endocrine neoplasia, type 1. Last evaluated: 2024-11-01. Review status: criteria provided, single submitter. Criteria: Myriad Autosomal Dominant, Autosomal Recessive and X-Linked Classification Criteria (2023). Collection method: clinical testing. Allele origin: unknown.
Comment: This variant is considered benign. This variant is a silent/synonymous amino acid change and it is not expected to impact splicing.

All of Us Research Program, National Institutes of Health
Classification: Likely benign for Multiple endocrine neoplasia, type 1. Last evaluated: 2023-04-03. Review status: criteria provided, single submitter. Criteria: ACMG Guidelines, 2015. Collection method: clinical testing. Allele origin: germline. Inheritance: Autosomal dominant inheritance. Observed: 1 variant allele, 1 heterozygote.
Comment: This study involves interpretation of variants in research participants for the purpose of population health screening. Participant phenotype was not available at the time of variant classification. Additional details can be found in publication PMID: 35346344, PMCID: PMC8962531

CeGaT Center for Human Genetics Tuebingen
Classification: Likely benign. Last evaluated: 2021-06-01. Review status: criteria provided, single submitter. Criteria: CeGaT Center For Human Genetics Tuebingen Variant Classification Criteria Version 2. Collection method: clinical testing. Allele origin: germline. Affected: yes. Observed: 1 variant allele.

Ambry Genetics
Classification: Likely benign for Hereditary cancer-predisposing syndrome. Last evaluated: 2020-08-18. Review status: criteria provided, single submitter. Criteria: Ambry Variant Classification Scheme 2023. Collection method: clinical testing. Allele origin: germline.

NM_001370259.2(MEN1):c.681C>T (p.Tyr227=)

Gene: MEN1 (menin 1; minus strand). Cytogenetic location: 11q13.1.
Variant type: single nucleotide variant.
Coding change: c.681C>T on transcript NM_001370259.2 (MANE Select); coding-DNA position 681, C replaced by T.
Protein change: p.Tyr227=; no amino-acid change (tyrosine 227 retained).
Molecular consequence: synonymous variant.
Genome position (GRCh38, 1-based): chr11:64,807,654, G>A on the plus strand (C>T on the coding strand, the complement: MEN1 is on the minus strand). VCF-style: chr11-64807654-G-A. GRCh37 (hg19) VCF-style: chr11-64575126-G-A.
Other names: c.681C>T, p.Tyr227= (NM_001370251.2, NM_001370260.2, NM_001370261.2 and 1 more transcripts); c.576C>T, p.Tyr192= (NM_001370262.2, NM_001370263.2); c.696C>T, p.Tyr232= (NM_130800.3, NM_130801.3, NM_130802.3 and 3 more transcripts).
Identifiers: ClinVar variation 1096264 (VCV001096264.47), dbSNP rs778921501, ClinGen allele CA061441.
Genomic context (GRCh38, chr11:64,807,654, plus strand): 5'-AATGGAAGGGTTGATGGCACACACCATGAACGCCACCTCCATCTTGCGGTCACAGCGCAT[G>A]TATGATCCTTTCAGGTACAGCCAGCTCTTAGGGGGGGATGAGATCATTATGTCTCATGAT-3'
Protein context (NP_001357188.2, residues 217-237): ERSWLYLKGS[Tyr227=]MRCDRKMEVA